The following is an entry in ClinVar:

NM_201384.3(PLEC):c.8062G>A (p.Val2688Met)

Gene: PLEC (plectin; minus strand). Cytogenetic location: 8q24.3.
Variant type: single nucleotide variant.
Coding change: c.8062G>A on transcript NM_201384.3 (MANE Select); coding-DNA position 8062, G replaced by A.
Protein change: p.Val2688Met; replaces valine 2688 with methionine.
Molecular consequence: missense variant.
Genome position (GRCh38, 1-based): chr8:143,921,759, C>T on the plus strand (G>A on the coding strand, the complement: PLEC is on the minus strand). VCF-style: chr8-143921759-C-T. GRCh37 (hg19) VCF-style: chr8-144995927-C-T.
Other names: c.8143G>A, p.Val2715Met (NM_000445.5); c.8020G>A, p.Val2674Met (NM_201378.4); c.7996G>A, p.Val2666Met (NM_201379.3); c.8473G>A, p.Val2825Met (NM_201380.4); c.7966G>A, p.Val2656Met (NM_201381.3); c.8062G>A, p.Val2688Met (NM_201382.4); c.8074G>A, p.Val2692Met (NM_201383.3); c.8143G>A (NM_000445.3); short protein forms V2666M, V2674M, V2656M, V2692M, V2715M, V2825M, V2688M.
Identifiers: ClinVar variation 471656 (VCV000471656.12), dbSNP rs562229143, ClinGen allele CA4925432.

ClinVar aggregate classification (germline): Conflicting classifications of pathogenicity. Review status: criteria provided, conflicting classifications (1 of 4 stars). 4 submissions from 4 submitters: Uncertain significance (3); Likely benign (1). Last evaluated 2025-10-12.

Conditions:
PLEC-related disorder. Also called: PLEC-related disorders; PLEC-related condition.
Autosomal recessive limb-girdle muscular dystrophy type 2Q (LGMDR17). Also called: MUSCULAR DYSTROPHY, LIMB-GIRDLE, AUTOSOMAL RECESSIVE 17. Identifiers: Orphanet 254361, MedGen C3150989, MONDO:0013390, OMIM 613723.
Epidermolysis bullosa simplex with nail dystrophy (EBS5D). Identifiers: MedGen C4225309, MONDO:0014661, OMIM 616487.
Epidermolysis bullosa simplex 5C, with pyloric atresia (EBS5C). Also called: PLEC-Related Epidermolysis Bullosa with Pyloric Atresia; Epidermolysis bullosa simplex with pyloric atresia; PLEC1-Related Epidermolysis Bullosa with Pyloric Atresia. Identifiers: Orphanet 158684, MedGen C2677349, MONDO:0012807, OMIM 612138.
Epidermolysis bullosa simplex, Ogna type (EBS5A). Also called: Pidermolysis bullosa simplex 5A, Ogna type; EPIDERMOLYSIS BULLOSA SIMPLEX 5A, OGNA TYPE. Identifiers: Orphanet 79401, MedGen C0432317, MONDO:0007555, OMIM 131950.
Epidermolysis bullosa simplex 5B, with muscular dystrophy (EBS5B). Also called: EPIDERMOLYSIS BULLOSA SIMPLEX AND LIMB-GIRDLE MUSCULAR DYSTROPHY; Epidermolysis bullosa simplex with muscular dystrophy. Identifiers: Orphanet 257, MedGen C2931072, MONDO:0009181, OMIM 226670.
Inborn genetic diseases. Identifiers: MedGen C0950123, MeSH D030342.

Allele frequency attached by ClinVar (database versions not stated): gnomAD exomes 0.00003 and 0.00010; ExAC 0.00009; TOPMed 0.00009; gnomAD 0.00011; 1000 Genomes Project 30x 0.00016; 1000 Genomes Project 0.00020.
gnomAD v4.1: 54 of 1,612,264 alleles (0.0033%); highest among the groups gnomAD compares: Admixed American, 0.033%; no homozygotes.

Submissions (4):

PreventionGenetics, part of Exact Sciences
Classification: Uncertain significance for PLEC-related condition. Last evaluated: 2025-10-12. Review status: criteria provided, single submitter. Criteria: ACMG Guidelines, 2015. Collection method: clinical testing. Allele origin: germline.
Comment: The PLEC c.8143G>A variant is predicted to result in the amino acid substitution p.Val2715Met. To our knowledge, this variant has not been reported in the literature. This variant is reported in 0.043% of alleles in individuals of Latino descent in gnomAD. At this time, the clinical significance of this variant is uncertain due to the absence of conclusive functional and genetic evidence.

Labcorp Genetics (formerly Invitae), Labcorp
Classification: Uncertain significance for Autosomal recessive limb-girdle muscular dystrophy type 2Q; Epidermolysis bullosa simplex, Ogna type; Epidermolysis bullosa simplex with nail dystrophy; Epidermolysis bullosa simplex 5C, with pyloric atresia; Epidermolysis bullosa simplex 5B, with muscular dystrophy. Last evaluated: 2025-08-29. Review status: criteria provided, single submitter. Criteria: Invitae Variant Classification Sherloc (09022015). Collection method: clinical testing. Allele origin: germline.
Comment: This sequence change replaces valine, which is neutral and non-polar, with methionine, which is neutral and non-polar, at codon 2715 of the PLEC protein (p.Val2715Met). This variant is present in population databases (rs562229143, gnomAD 0.05%). This variant has not been reported in the literature in individuals affected with PLEC-related conditions. ClinVar contains an entry for this variant (Variation ID: 471656). An algorithm developed to predict the effect of missense changes on protein structure and function (PolyPhen-2) suggests that this variant is likely to be disruptive. In summary, the available evidence is currently insufficient to determine the role of this variant in disease. Therefore, it has been classified as a Variant of Uncertain Significance.

Revvity Omics, Revvity
Classification: Likely benign. Last evaluated: 2024-09-20. Review status: criteria provided, single submitter. Criteria: ACMG Guidelines, 2015. Collection method: clinical testing. Allele origin: germline.

Ambry Genetics
Classification: Uncertain significance for Inborn genetic diseases. Last evaluated: 2024-09-12. Review status: criteria provided, single submitter. Criteria: Ambry Variant Classification Scheme 2023. Collection method: clinical testing. Allele origin: germline.